The following is an entry in ClinVar:

NM_005555.4(KRT6B):c.1381G>A (p.Glu461Lys)

Gene: KRT6B (keratin 6B; minus strand). Cytogenetic location: 12q13.13.
Variant type: single nucleotide variant.
Coding change: c.1381G>A on transcript NM_005555.4 (MANE Select); coding-DNA position 1381, G replaced by A.
Protein change: p.Glu461Lys; replaces glutamic acid 461 with lysine.
Molecular consequence: missense variant.
Genome position (GRCh38, 1-based): chr12:52,447,821, C>T on the plus strand (G>A on the coding strand, the complement: KRT6B is on the minus strand). VCF-style: chr12-52447821-C-T. GRCh37 (hg19) VCF-style: chr12-52841605-C-T.
Other names: short protein forms E461K.
Identifiers: ClinVar variation 66599 (VCV000066599.3), dbSNP rs267607473, ClinGen allele CA217366.

ClinVar aggregate classification (germline): Pathogenic/Likely pathogenic. Review status: criteria provided, multiple submitters, no conflicts (2 of 4 stars). 3 submissions from 3 submitters: Pathogenic (1); Likely pathogenic (1). 1 of the submissions does not count toward it. Last evaluated 2021-09-17.

Conditions:
Pachyonychia congenita 4 (PC4). Also called: KRT6B-Related Pachyonychia Congenita. Identifiers: Orphanet 2309, MedGen C3714949, MONDO:0014325, OMIM 615728.

Submissions (3):

Fulgent Genetics
Classification: Likely pathogenic for Pachyonychia congenita 4. Last evaluated: 2021-09-17. Review status: criteria provided, single submitter. Criteria: ACMG Guidelines, 2015. Collection method: clinical testing. Allele origin: unknown.

GeneDx
Classification: Pathogenic. Last evaluated: 2015-08-13. Review status: criteria provided, single submitter. Criteria: GeneDx Variant Classification (06012015). Collection method: clinical testing. Allele origin: germline. Affected: yes.
Comment: The E461K variant in the KRT6B gene has been reported in association with pachyonychia congenita (Wilson et al., 2011). The E461K variant was not observed in approximately 6,500 individuals of European and African American ancestry in the NHLBI Exome Sequencing Project, indicating it is not a common benign variant in these populations. The E461K variant is a non-conservative amino acid substitution that occurs at a position that is conserved across species. In silico analysis predicts this substitution is probably damaging to the protein structure/function.

Epithelial Biology;  Institute of Medical Biology, Singapore
No classification provided. Review status: no classification provided. Collection method: not provided. Allele origin: not provided. Not counted in ClinVar's aggregate classification.